The following is an entry in ClinVar:

ClinVar aggregate classification (germline): Uncertain significance (1 of 4 stars; one submission).

Allele frequency attached by ClinVar (database versions not stated): ExAC 0.00001; TOPMed 0.00001.
gnomAD v4.1: 12 of 1,611,584 alleles (0.00074%); highest among the groups gnomAD compares: Admixed American, 0.015%; no homozygotes.

Submission:

Labcorp Genetics (formerly Invitae), Labcorp
Classification: Uncertain significance. Last evaluated: 2023-11-02. Review status: criteria provided, single submitter. Criteria: Invitae Variant Classification Sherloc (09022015). Collection method: clinical testing. Allele origin: germline.
Comment: This sequence change replaces cysteine, which is neutral and slightly polar, with phenylalanine, which is neutral and non-polar, at codon 140 of the CFHR5 protein (p.Cys140Phe). This variant is present in population databases (rs761951909, gnomAD 0.03%). This variant has not been reported in the literature in individuals affected with CFHR5-related conditions. Advanced modeling of protein sequence and biophysical properties (such as structural, functional, and spatial information, amino acid conservation, physicochemical variation, residue mobility, and thermodynamic stability) performed at Invitae indicates that this missense variant is expected to disrupt CFHR5 protein function with a positive predictive value of 80%. In summary, the available evidence is currently insufficient to determine the role of this variant in disease. Therefore, it has been classified as a Variant of Uncertain Significance.

NM_030787.4(CFHR5):c.419G>T (p.Cys140Phe)

Gene: CFHR5 (complement factor H related 5; plus strand). Cytogenetic location: 1q31.3.
Variant type: single nucleotide variant.
Coding change: c.419G>T on transcript NM_030787.4 (MANE Select); coding-DNA position 419, G replaced by T.
Protein change: p.Cys140Phe; replaces cysteine 140 with phenylalanine.
Molecular consequence: missense variant.
Genome position (GRCh38, 1-based): chr1:196,984,126, G>T. VCF-style: chr1-196984126-G-T. GRCh37 (hg19) VCF-style: chr1-196953256-G-T.
Other names: short protein forms C140F.
Identifiers: ClinVar variation 2996307 (VCV002996307.3), dbSNP rs761951909, ClinGen allele CA1307728.